The following is an entry in ClinVar:

NM_020461.4(TUBGCP6):c.4093G>C (p.Val1365Leu)

Gene: TUBGCP6 (tubulin gamma complex component 6; minus strand). Cytogenetic location: 22q13.33.
Variant type: single nucleotide variant.
Coding change: c.4093G>C on transcript NM_020461.4 (MANE Select); coding-DNA position 4093, G replaced by C.
Protein change: p.Val1365Leu; replaces valine 1365 with leucine.
Molecular consequence: missense variant.
Genome position (GRCh38, 1-based): chr22:50,220,266, C>G on the plus strand (G>C on the coding strand, the complement: TUBGCP6 is on the minus strand). VCF-style: chr22-50220266-C-G. GRCh37 (hg19) VCF-style: chr22-50658695-C-G.
Other names: c.4093G>C (NM_020461.3); short protein forms V1365L.
Identifiers: ClinVar variation 1079922 (VCV001079922.14), dbSNP rs150838239, ClinGen allele CA10307727.
Genomic context (GRCh38, chr22:50,220,266, plus strand): 5'-GCGTCCCACAGTCCCACTCCTGACCACCAGCCACCCTACTCTGACCTAGTTCTTCAGAGA[C>G]ACTGTCTCCCGGGGTGTTGGGCCACCATGGTTGGGTGGGAGCCACGTCTGACACGTTCTC-3'
Protein context (NP_065194.3, residues 1355-1375): PWWPNTPGDS[Val1365Leu]SEELGPGRSG

ClinVar aggregate classification (germline): Benign/Likely benign. Review status: criteria provided, multiple submitters, no conflicts (2 of 4 stars). 5 submissions from 5 submitters: Benign (1); Likely benign (3). 1 of the submissions does not count toward it. Last evaluated 2026-01-05.

Conditions:
Inborn genetic diseases. Identifiers: MedGen C0950123, MeSH D030342.
TUBGCP6-related disorder. Also called: TUBGCP6-related condition.

Allele frequency attached by ClinVar (database versions not stated): ESP Exome Variant Server 0.00015; gnomAD exomes 0.00018; ExAC 0.00025; gnomAD 0.00057 and 0.00061; TOPMed 0.00061; 1000 Genomes Project 30x 0.00094; 1000 Genomes Project 0.00100.
gnomAD v4.1: 160 of 1,560,120 alleles (0.01%); highest among the groups gnomAD compares: African/African-American, 0.19%; no homozygotes.

Submissions (5):

Labcorp Genetics (formerly Invitae), Labcorp
Classification: Likely benign. Last evaluated: 2026-01-05. Review status: criteria provided, single submitter. Criteria: Invitae Variant Classification Sherloc (09022015). Collection method: clinical testing. Allele origin: germline.

Ambry Genetics
Classification: Likely benign for Inborn genetic diseases. Last evaluated: 2025-03-06. Review status: criteria provided, single submitter. Criteria: Ambry Variant Classification Scheme 2023. Collection method: clinical testing. Allele origin: germline.

Blueprint Genetics
Classification: Benign. Last evaluated: 2024-06-27. Review status: criteria provided, single submitter. Criteria: ACMG Guidelines, 2015. Collection method: clinical testing. Allele origin: germline.

Breakthrough Genomics
Classification: Likely benign. Review status: criteria provided, single submitter. Criteria: ACMG Guidelines, 2015. Collection method: not provided. Allele origin: germline. Inheritance: Autosomal recessive inheritance. Affected: yes.

PreventionGenetics, part of Exact Sciences
Classification: Likely benign for TUBGCP6-related condition. Last evaluated: 2023-01-09. Review status: no assertion criteria provided. Collection method: clinical testing. Allele origin: germline. Not counted in ClinVar's aggregate classification.
Comment: This variant is classified as likely benign based on ACMG/AMP sequence variant interpretation guidelines (Richards et al. 2015 PMID: 25741868, with internal and published modifications).